The following is an entry in ClinVar:

ClinVar aggregate classification (germline): Likely benign. Review status: criteria provided, single submitter (1 of 4 stars). 2 submissions from 2 submitters: Likely benign (1). 1 of the submissions does not count toward it.

Conditions:
TNS1-related disorder. Also called: TNS1-related condition.

Allele frequency attached by ClinVar (database versions not stated): gnomAD exomes 0.00011; ExAC 0.00032; ESP Exome Variant Server 0.00077; gnomAD 0.00077; TOPMed 0.00089; 1000 Genomes Project 30x 0.00094; 1000 Genomes Project 0.00100.
gnomAD v4.1: 291 of 1,613,020 alleles (0.018%); highest among the groups gnomAD compares: African/African-American, 0.29%; 2 homozygotes.

Submissions (2):

Breakthrough Genomics
Classification: Likely benign. Review status: criteria provided, single submitter. Criteria: ACMG Guidelines, 2015. Collection method: not provided. Allele origin: germline. Inheritance: Unknown mechanism. Affected: yes.

PreventionGenetics, part of Exact Sciences
Classification: Likely benign for TNS1-related condition. Last evaluated: 2019-05-23. Review status: no assertion criteria provided. Collection method: clinical testing. Allele origin: germline. Not counted in ClinVar's aggregate classification.
Comment: This variant is classified as likely benign based on ACMG/AMP sequence variant interpretation guidelines (Richards et al. 2015 PMID: 25741868, with internal and published modifications).

NM_001387777.1(TNS1):c.426C>T (p.Tyr142=)

Gene: TNS1 (tensin 1; minus strand). Cytogenetic location: 2q35.
Variant type: single nucleotide variant.
Coding change: c.426C>T on transcript NM_001387777.1 (MANE Select); coding-DNA position 426, C replaced by T.
Protein change: p.Tyr142=; no amino-acid change (tyrosine 142 retained).
Molecular consequence: synonymous variant.
Genome position (GRCh38, 1-based): chr2:217,897,915, G>A on the plus strand (C>T on the coding strand, the complement: TNS1 is on the minus strand). VCF-style: chr2-217897915-G-A. GRCh37 (hg19) VCF-style: chr2-218762638-G-A.
Other names: c.51C>T, p.Tyr17= (NM_001308022.2, NM_001308023.2, NM_022648.7).
Identifiers: ClinVar variation 3038795 (VCV003038795.3), dbSNP rs111608091, ClinGen allele CA2100930.
Genomic context (GRCh38, chr2:217,897,915, plus strand): 5'-CCGGAAGTTCTCCTCATTGGCTGTGCTGGGGAAGGAGACAGCGATGATCCTCTCTGTGAC[G>A]TACACCAGGTCCAGCTCACAGCTGTCCTCCATGGTCCGGCTCACACTCATGTTTCTAGGG-3'
Protein context (NP_001374706.1, residues 132-152): MEDSCELDLV[Tyr142=]VTERIIAVSF